The following is an entry in ClinVar:

ClinVar aggregate classification (germline): Uncertain significance. Review status: criteria provided, multiple submitters, no conflicts (2 of 4 stars). 6 submissions from 6 submitters: Uncertain significance (5). 1 of the submissions does not count toward it. Last evaluated 2024-10-07.

Conditions:
BILIRUBIN, SERUM LEVEL OF, QUANTITATIVE TRAIT LOCUS 1 (BILIQTL1). Identifiers: MedGen C1866173, OMIM 601816.
Crigler-Najjar syndrome, type II. Also called: Crigler Najjar syndrome, type 2; Mutation in the UDP-glucuronosyl-transferase gene; HYPERBILIRUBINEMIA, CRIGLER-NAJJAR TYPE II. Identifiers: Orphanet 205, Orphanet 79235, MedGen C2931132, MONDO:0011725, OMIM 606785.
Crigler-Najjar syndrome type 1. Also called: HYPERBILIRUBINEMIA, CRIGLER-NAJJAR TYPE I. Identifiers: Orphanet 79234, MedGen C0010324, MONDO:0021020, OMIM 218800.
Gilbert syndrome. Also called: Gilbert Disease; Gilbert's syndrome; HYPERBILIRUBINEMIA, GILBERT TYPE; HYPERBILIRUBINEMIA I; HYPERBILIRUBINEMIA, ARIAS TYPE. Identifiers: MedGen C0017551, MONDO:0007745, OMIM 143500.
Lucey-Driscoll syndrome (HBLRTFN). Also called: Transient familial neonatal hyperbilirubinemia. Identifiers: Orphanet 2312, MedGen C0270210, MONDO:0009383, OMIM 237900.
UGT1A1-related disorder. Also called: UGT1A1-related condition; UGT1A1-related disorders.

Allele frequency attached by ClinVar (database versions not stated): ExAC 0.00002; gnomAD exomes 0.00002; gnomAD 0.00003; TOPMed 0.00003.
gnomAD v4.1: 85 of 1,614,044 alleles (0.0053%); highest among the groups gnomAD compares: Middle Eastern, 0.033%; no homozygotes.

Submissions (6):

Labcorp Genetics (formerly Invitae), Labcorp
Classification: Uncertain significance. Last evaluated: 2024-10-07. Review status: criteria provided, single submitter. Criteria: Invitae Variant Classification Sherloc (09022015). Collection method: clinical testing. Allele origin: germline.
Comment: This sequence change replaces arginine, which is basic and polar, with cysteine, which is neutral and slightly polar, at codon 367 of the UGT1A1 protein (p.Arg367Cys). This variant is present in population databases (rs55750087, gnomAD 0.006%). This missense change has been observed in individual(s) with Crigler-Najjar syndrome type II (PMID: 23099197). ClinVar contains an entry for this variant (Variation ID: 288098). Invitae Evidence Modeling of protein sequence and biophysical properties (such as structural, functional, and spatial information, amino acid conservation, physicochemical variation, residue mobility, and thermodynamic stability) indicates that this missense variant is expected to disrupt UGT1A1 protein function with a positive predictive value of 80%. In summary, the available evidence is currently insufficient to determine the role of this variant in disease. Therefore, it has been classified as a Variant of Uncertain Significance.

ARUP Laboratories, Molecular Genetics and Genomics, ARUP Laboratories
Classification: Uncertain significance. Last evaluated: 2024-01-05. Review status: criteria provided, single submitter. Criteria: ARUP Molecular Germline Variant Investigation Process 2024. Collection method: clinical testing. Allele origin: germline.

Blueprint Genetics
Classification: Uncertain significance. Last evaluated: 2023-11-08. Review status: criteria provided, single submitter. Criteria: ACMG Guidelines, 2015. Collection method: clinical testing. Allele origin: germline.

Fulgent Genetics
Classification: Uncertain significance for Gilbert syndrome; Crigler-Najjar syndrome type 1; Lucey-Driscoll syndrome; BILIRUBIN, SERUM LEVEL OF, QUANTITATIVE TRAIT LOCUS 1; Crigler-Najjar syndrome, type II. Last evaluated: 2022-04-20. Review status: criteria provided, single submitter. Criteria: ACMG Guidelines, 2015. Collection method: clinical testing. Allele origin: unknown.

Eurofins Ntd Llc (ga)
Classification: Uncertain significance. Last evaluated: 2016-05-12. Review status: criteria provided, single submitter. Criteria: EGL Classification Definitions 2015. Collection method: clinical testing. Allele origin: germline. Observed: 1 variant allele, 1 heterozygote.

PreventionGenetics, part of Exact Sciences
Classification: Uncertain significance for UGT1A1-related condition. Last evaluated: 2024-04-14. Review status: no assertion criteria provided. Collection method: clinical testing. Allele origin: germline. Not counted in ClinVar's aggregate classification.
Comment: The UGT1A1 c.1099C>T variant is predicted to result in the amino acid substitution p.Arg367Cys. This variant has been reported in the compound heterozygous state in an individual with neonatal unconjugated hyperbilirubinemia (Minucci et al. 2013. PubMed ID: 23099197). This variant is reported in 0.0056% of alleles in individuals of Latino descent in gnomAD. Although we suspect that this variant may be pathogenic, at this time, the clinical significance of this variant is uncertain due to the absence of conclusive functional and genetic evidence.

Literature cited by the submitters: PubMed 23099197 (cited by Labcorp Genetics (formerly Invitae), Labcorp).

NM_000463.3(UGT1A1):c.1099C>T (p.Arg367Cys)

Genes: UGT1A5 (UDP glucuronosyltransferase family 1 member A5; plus strand), UGT1A3 (UDP glucuronosyltransferase family 1 member A3; plus strand), UGT1A4 (UDP glucuronosyltransferase family 1 member A4; plus strand), UGT1A (UDP glucuronosyltransferase family 1 member A complex locus; plus strand), UGT1A1 (UDP glucuronosyltransferase family 1 member A1; plus strand) and 5 more. Cytogenetic location: 2q37.1.
Variant type: single nucleotide variant.
Coding change: c.1099C>T on transcript NM_000463.3 (MANE Select); coding-DNA position 1099, C replaced by T.
Protein change: p.Arg367Cys; replaces arginine 367 with cysteine.
Molecular consequence: missense variant.
Genome position (GRCh38, 1-based): chr2:233,768,234, C>T. VCF-style: chr2-233768234-C-T. GRCh37 (hg19) VCF-style: chr2-234676880-C-T.
Other names: c.1090C>T, p.Arg364Cys (NM_019075.4, NM_019076.5, NM_019077.3 and 1 more transcripts); c.1096C>T, p.Arg366Cys (NM_001072.4); c.295C>T, p.Arg99Cys (NM_205862.3); c.1102C>T, p.Arg368Cys (NM_019078.2, NM_007120.3, NM_019093.4); short protein forms R367C, R366C, R368C, R364C, R99C.
Identifiers: ClinVar variation 288098 (VCV000288098.21), dbSNP rs55750087, ClinGen allele CA2180010.